The following is an entry in ClinVar:

ClinVar aggregate classification (germline): Uncertain significance (1 of 4 stars; one submission).

Conditions:
Nephrotic syndrome, IIa 26. Also called: Nephrotic syndrome, type 26. Identifiers: MedGen C5774221, MONDO:0031061, OMIM 620049.

gnomAD v4.1: 1 of 1,597,876 alleles (0.000063%); highest among the groups gnomAD compares: Non-Finnish European, 0.000085%; no homozygotes.

Submission:

OLLIN Analises Genomicas, OLLIN
Classification: Uncertain significance for Nephrotic syndrome, IIa 26. Last evaluated: 2026-08-06. Review status: criteria provided, single submitter. Criteria: ACMG Guidelines 2015 PMID 25741868. Collection method: clinical testing. Allele origin: germline. Inheritance: Autosomal recessive inheritance.
Comment: This missense variant, located in exon 68 (of 80), has been observed in gnomAD with an allele frequency of 0.000062%, but has not been reported in ClinVar or identified in the literature. In silico analysis predicts that this variant has a deleterious effect. According to the currently available evidence, this variant has been classified as uncertain significance (PM2_P, PP3_M).

NM_005560.6(LAMA5):c.9344G>A (p.Cys3115Tyr)

Gene: LAMA5 (laminin subunit alpha 5; minus strand). Cytogenetic location: 20q13.33.
Variant type: single nucleotide variant.
Coding change: c.9344G>A on transcript NM_005560.6 (MANE Select); coding-DNA position 9344, G replaced by A.
Protein change: p.Cys3115Tyr; replaces cysteine 3115 with tyrosine.
Molecular consequence: missense variant.
Genome position (GRCh38, 1-based): chr20:62,312,416, C>T on the plus strand (G>A on the coding strand, the complement: LAMA5 is on the minus strand). VCF-style: chr20-62312416-C-T. GRCh37 (hg19) VCF-style: chr20-60887472-C-T.
Other names: short protein forms C3115Y.
Identifiers: ClinVar variation 5003091 (VCV005003091.1).
Genomic context (GRCh38, chr20:62,312,416, plus strand): 5'-GCATGTCCACAGATGCCACCCCCAGCCCGGGGAGGGCTGCTCACCAGCAGGTCGGCGGTG[C>T]AGCCGGCGCTCACGCCTGTCGTGTTCAGCCGCTTGAGGTCCACATACTTGCCCAGGGCCT-3'
Protein context (NP_005551.3, residues 3105-3125): RLNTTGVSAG[Cys3115Tyr]TADLLVGRAM